The following is an entry in ClinVar:

NM_001127222.2(CACNA1A):c.4632C>T (p.Thr1544=)

Gene: CACNA1A (calcium voltage-gated channel subunit alpha1 A; minus strand). Cytogenetic location: 19p13.13.
Variant type: single nucleotide variant.
Coding change: c.4632C>T on transcript NM_001127222.2 (MANE Select); coding-DNA position 4632, C replaced by T.
Protein change: p.Thr1544=; no amino-acid change (threonine 1544 retained).
Molecular consequence: synonymous variant.
Genome position (GRCh38, 1-based): chr19:13,255,218, G>A on the plus strand (C>T on the coding strand, the complement: CACNA1A is on the minus strand). VCF-style: chr19-13255218-G-A. GRCh37 (hg19) VCF-style: chr19-13366032-G-A.
Other names: p.Thr1545=; c.4632C>T (NM_001127222.1); c.4644C>T, p.Thr1548= (NM_000068.4, NM_023035.3); c.4635C>T, p.Thr1545= (NM_001127221.2, NM_001174080.2).
Identifiers: ClinVar variation 166766 (VCV000166766.56), dbSNP rs150378053, ClinGen allele CA233568.

ClinVar aggregate classification (germline): Benign/Likely benign. Review status: criteria provided, multiple submitters, no conflicts (2 of 4 stars). 13 submissions from 13 submitters: Benign (5); Likely benign (5). 3 of the submissions do not count toward it. Last evaluated 2026-09-01.

Conditions:
Episodic ataxia type 2 (EA2). Also called: CEREBELLAR ATAXIA, PAROXYSMAL, ACETAZOLAMIDE-RESPONSIVE; CEREBELLOPATHY, HEREDITARY PAROXYSMAL; EPISODIC ATAXIA, NYSTAGMUS-ASSOCIATED; ACETAZOLAMIDE-RESPONSIVE HEREDITARY PAROXYSMAL CEREBELLAR ATAXIA; ATAXIA, EPISODIC, WITH NYSTAGMUS; ATAXIA, FAMILIAL PAROXYSMAL. Identifiers: Orphanet 97, MedGen C1720416, MONDO:0007163, OMIM 108500.
Developmental and epileptic encephalopathy, 42 (DEE42A). Also called: Epileptic encephalopathy, early infantile, 42; DEVELOPMENTAL AND EPILEPTIC ENCEPHALOPATHY 42A; EPILEPTIC ENCEPHALOPATHY, EARLY INFANTILE, 42A. Identifiers: MedGen C4310716, MONDO:0014917, OMIM 617106.
CACNA1A-related disorder. Also called: CACNA1A-related condition.
Inborn genetic diseases. Identifiers: MedGen C0950123, MeSH D030342.

Allele frequency attached by ClinVar (database versions not stated): 1000 Genomes Project 0.00080; 1000 Genomes Project 30x 0.00094; ESP Exome Variant Server 0.00118; ExAC 0.00182; gnomAD 0.00182 and 0.00188; gnomAD exomes 0.00185; TOPMed 0.00203.
gnomAD v4.1: 2,969 of 1,610,046 alleles (0.18%); highest among the groups gnomAD compares: Admixed American, 0.42%; 6 homozygotes.

Submissions (13):

CeGaT Center for Human Genetics Tuebingen
Classification: Likely benign. Last evaluated: 2026-09-01. Review status: criteria provided, single submitter. Criteria: CeGaT Center For Human Genetics Tuebingen Variant Classification Criteria Version 2. Collection method: clinical testing. Allele origin: germline. Affected: yes. Observed: 33 variant alleles.
Comment: CACNA1A: BP4, BP7, BS1

Labcorp Genetics (formerly Invitae), Labcorp
Classification: Benign for Developmental and epileptic encephalopathy, 42; Episodic ataxia type 2. Last evaluated: 2026-02-03. Review status: criteria provided, single submitter. Criteria: Invitae Variant Classification Sherloc (09022015). Collection method: clinical testing. Allele origin: germline.

Athena Diagnostics
Classification: Benign. Last evaluated: 2025-10-29. Review status: criteria provided, single submitter. Criteria: Athena Diagnostics Criteria. Collection method: clinical testing. Allele origin: unknown.
Comment: The frequency of this variant in the general population is higher than would generally be expected for pathogenic variants in this gene.

Mayo Clinic Laboratories, Mayo Clinic
Classification: Benign. Last evaluated: 2025-09-15. Review status: criteria provided, single submitter. Criteria: ACMG Guidelines, 2015. Collection method: clinical testing. Allele origin: germline. Observed: 4 variant alleles.
Comment: BS1, BS2, BP4, BP7

ARUP Laboratories, Molecular Genetics and Genomics, ARUP Laboratories
Classification: Benign. Last evaluated: 2025-04-30. Review status: criteria provided, single submitter. Criteria: ARUP Molecular Germline Variant Investigation Process 2024. Collection method: clinical testing. Allele origin: germline.

Blueprint Genetics
Classification: Likely benign. Last evaluated: 2024-11-14. Review status: criteria provided, single submitter. Criteria: ACMG Guidelines, 2015. Collection method: clinical testing. Allele origin: germline.

GeneDx
Classification: Benign. Last evaluated: 2021-04-21. Review status: criteria provided, single submitter. Criteria: GeneDx Variant Classification Process June 2021. Collection method: clinical testing. Allele origin: germline. Affected: yes.

Ambry Genetics
Classification: Likely benign for Inborn genetic diseases. Last evaluated: 2016-06-11. Review status: criteria provided, single submitter. Criteria: Ambry Variant Classification Scheme 2023. Collection method: clinical testing. Allele origin: germline.

Eurofins Ntd Llc (ga)
Classification: Likely benign. Last evaluated: 2015-09-28. Review status: criteria provided, single submitter. Criteria: EGL Classification Definitions 2015. Collection method: clinical testing. Allele origin: germline. Observed: 3 variant alleles, 3 heterozygotes.

Breakthrough Genomics
Classification: Likely benign. Review status: criteria provided, single submitter. Criteria: ACMG Guidelines, 2015. Collection method: not provided. Allele origin: germline. Inheritance: Autosomal dominant inheritance. Affected: yes.

PreventionGenetics, part of Exact Sciences
Classification: Likely benign for CACNA1A-related condition. Last evaluated: 2020-04-03. Review status: no assertion criteria provided. Collection method: clinical testing. Allele origin: germline. Not counted in ClinVar's aggregate classification.
Comment: This variant is classified as likely benign based on ACMG/AMP sequence variant interpretation guidelines (Richards et al. 2015 PMID: 25741868, with internal and published modifications).

Clinical Genetics DNA and cytogenetics Diagnostics Lab, Erasmus MC, Erasmus Medical Center
Classification: Likely benign. Review status: no assertion criteria provided. Collection method: clinical testing. Allele origin: germline. Affected: yes. Study: VKGL Data-share Consensus. Not counted in ClinVar's aggregate classification.

Genome Diagnostics Laboratory, University Medical Center Utrecht
Classification: Likely benign. Review status: no assertion criteria provided. Collection method: clinical testing. Allele origin: germline. Affected: yes. Study: VKGL Data-share Consensus. Not counted in ClinVar's aggregate classification.

Literature cited by the submitters: PubMed 16043807 (cited by Athena Diagnostics and Mayo Clinic Laboratories, Mayo Clinic).